The following is an entry in ClinVar:

NM_018136.5(ASPM):c.9539_9540delinsCA (p.Gln3180Pro)

Gene: ASPM (assembly factor for spindle microtubules; minus strand). Cytogenetic location: 1q31.3.
Variant type: Indel.
Coding change: c.9539_9540delinsCA on transcript NM_018136.5 (MANE Select); coding-DNA positions 9539 to 9540, AG replaced by CA.
Protein change: p.Gln3180Pro; replaces glutamine 3180 with proline.
Molecular consequence: missense variant.
Genome position (GRCh38, 1-based): chr1:197,090,946-197,090,947, CT replaced by TG on the plus strand (AG replaced by CA on the coding strand, the reverse complement: ASPM is on the minus strand). VCF-style: chr1-197090946-CT-TG. GRCh37 (hg19) VCF-style: chr1-197060076-CT-TG.
Other names: c.4784_4785delinsCA, p.Gln1595Pro (NM_001206846.2); short protein forms Q1595P, Q3180P.
Identifiers: ClinVar variation 1307249 (VCV001307249.6), dbSNP rs2125088445, ClinGen allele CA2573051449.

ClinVar aggregate classification (germline): Conflicting classifications of pathogenicity. Review status: criteria provided, conflicting classifications (1 of 4 stars). 2 submissions from 2 submitters: Uncertain significance (1); Likely benign (1). Last evaluated 2025-10-12.

Submissions (2):

Labcorp Genetics (formerly Invitae), Labcorp
Classification: Likely benign. Last evaluated: 2025-10-12. Review status: criteria provided, single submitter. Criteria: Invitae Variant Classification Sherloc (09022015). Collection method: clinical testing. Allele origin: germline.

GeneDx
Classification: Uncertain significance. Last evaluated: 2019-07-22. Review status: criteria provided, single submitter. Criteria: GeneDx Variant Classification Process June 2021. Collection method: clinical testing. Allele origin: germline. Affected: yes.
Comment: In silico analysis, which includes protein predictors and evolutionary conservation, supports a deleterious effect; Has not been previously published as pathogenic or benign to our knowledge